The following is an entry in ClinVar:

ClinVar aggregate classification (germline): Uncertain significance (0 of 4 stars; one submission).

Conditions:
PLXNA4-related disorder. Also called: PLXNA4-related condition.

Allele frequency attached by ClinVar (database versions not stated): gnomAD 0.00003; gnomAD exomes 0.00010; TOPMed 0.00011; 1000 Genomes Project 30x 0.00016; 1000 Genomes Project 0.00020; ExAC 0.00027.
gnomAD v4.1: 162 of 1,614,122 alleles (0.01%); highest among the groups gnomAD compares: East Asian, 0.038%; 1 homozygote.

Submission:

PreventionGenetics, part of Exact Sciences
Classification: Uncertain significance for PLXNA4-related condition. Last evaluated: 2024-09-23. Review status: no assertion criteria provided. Collection method: clinical testing. Allele origin: germline.
Comment: The PLXNA4 c.1646G>A variant is predicted to result in the amino acid substitution p.Arg549His. To our knowledge, this variant has not been reported in the literature. This variant is reported in 0.041% of alleles in individuals of East Asian descent in gnomAD, including a homozygous individual. Although we suspect that this variant may be benign, at this time, the clinical significance of this variant is uncertain due to the absence of conclusive functional and genetic evidence.

NM_020911.2(PLXNA4):c.1646G>A (p.Arg549His)

Gene: PLXNA4 (plexin A4; minus strand). Cytogenetic location: 7q32.3.
Variant type: single nucleotide variant.
Coding change: c.1646G>A on transcript NM_020911.2 (MANE Select); coding-DNA position 1646, G replaced by A.
Protein change: p.Arg549His; replaces arginine 549 with histidine.
Molecular consequence: missense variant.
Genome position (GRCh38, 1-based): chr7:132,228,428, C>T on the plus strand (G>A on the coding strand, the complement: PLXNA4 is on the minus strand). VCF-style: chr7-132228428-C-T. GRCh37 (hg19) VCF-style: chr7-131913187-C-T.
Other names: c.1646G>A, p.Arg549His (NM_001393897.1); short protein forms R549H.
Identifiers: ClinVar variation 2634731 (VCV002634731.3), dbSNP rs190791576, ClinGen allele CA4490060.
Genomic context (GRCh38, chr7:132,228,428, plus strand): 5'-GAGATATTGTTGGGATGGACCGTCAGCCGGACACACTGCTTCATCTCCGAGGCAAACCTG[C>T]GGGGCTCCTTGGACCGCTCACACCGCTCCTTCCGGGTGCAACTGGGAAGGACATACCCTC-3'
Protein context (NP_065962.1, residues 539-559): KERCERSKEP[Arg549His]RFASEMKQCV